The following is an entry in ClinVar:

ClinVar aggregate classification (germline): Uncertain significance. Review status: criteria provided, multiple submitters, no conflicts (2 of 4 stars). 3 submissions from 3 submitters: Uncertain significance (3). Last evaluated 2025-06-18.

Conditions:
Inborn genetic diseases. Identifiers: MedGen C0950123, MeSH D030342.

Allele frequency attached by ClinVar (database versions not stated): TOPMed below 0.00001; gnomAD 0.00001; gnomAD exomes 0.00001.
gnomAD v4.1: 9 of 1,613,888 alleles (0.00056%); highest among the groups gnomAD compares: African/African-American, 0.0027%; no homozygotes.

Submissions (3):

Revvity Omics, Revvity
Classification: Uncertain significance. Last evaluated: 2025-06-18. Review status: criteria provided, single submitter. Criteria: ACMG Guidelines, 2015. Collection method: clinical testing. Allele origin: germline.

Labcorp Genetics (formerly Invitae), Labcorp
Classification: Uncertain significance. Last evaluated: 2025-02-05. Review status: criteria provided, single submitter. Criteria: Invitae Variant Classification Sherloc (09022015). Collection method: clinical testing. Allele origin: germline.
Comment: This sequence change replaces glutamic acid, which is acidic and polar, with lysine, which is basic and polar, at codon 1750 of the KMT2B protein (p.Glu1750Lys). This variant is present in population databases (no rsID available, gnomAD 0.0009%). This variant has not been reported in the literature in individuals affected with KMT2B-related conditions. ClinVar contains an entry for this variant (Variation ID: 1922401). Invitae Evidence Modeling of protein sequence and biophysical properties (such as structural, functional, and spatial information, amino acid conservation, physicochemical variation, residue mobility, and thermodynamic stability) indicates that this missense variant is expected to disrupt KMT2B protein function with a positive predictive value of 95%. In summary, the available evidence is currently insufficient to determine the role of this variant in disease. Therefore, it has been classified as a Variant of Uncertain Significance.

Ambry Genetics
Classification: Uncertain significance for Inborn genetic diseases. Last evaluated: 2024-03-07. Review status: criteria provided, single submitter. Criteria: Ambry Variant Classification Scheme 2023. Collection method: clinical testing. Allele origin: germline.

NM_014727.3(KMT2B):c.5248G>A (p.Glu1750Lys)

Gene: KMT2B (lysine methyltransferase 2B; plus strand). Cytogenetic location: 19q13.12.
Variant type: single nucleotide variant.
Coding change: c.5248G>A on transcript NM_014727.3 (MANE Select); coding-DNA position 5248, G replaced by A.
Protein change: p.Glu1750Lys; replaces glutamic acid 1750 with lysine.
Molecular consequence: missense variant.
Genome position (GRCh38, 1-based): chr19:35,730,588, G>A. VCF-style: chr19-35730588-G-A. GRCh37 (hg19) VCF-style: chr19-36221489-G-A.
Other names: c.5248G>A (NM_014727.1, NM_014727.2); short protein forms E1750K.
Identifiers: ClinVar variation 1922401 (VCV001922401.7), dbSNP rs1331677016, ClinGen allele CA405420270.